The following is an entry in ClinVar:

NM_153704.6(TMEM67):c.714+4A>G

Gene: TMEM67 (transmembrane protein 67; plus strand). Cytogenetic location: 8q22.1.
Variant type: single nucleotide variant.
Coding change: c.714+4A>G on transcript NM_153704.6 (MANE Select); 4 bases into the intron after coding-DNA position 714, A replaced by G.
Molecular consequence: intron variant.
Genome position (GRCh38, 1-based): chr8:93,772,655, A>G. VCF-style: chr8-93772655-A-G. GRCh37 (hg19) VCF-style: chr8-94784883-A-G.
Other names: p.?; c.471+4A>G (NM_001142301.1).
Identifiers: ClinVar variation 2075614 (VCV002075614.2), dbSNP rs1813376591, ClinGen allele CA1116696612.

ClinVar aggregate classification (germline): Conflicting classifications of pathogenicity. Review status: criteria provided, conflicting classifications (1 of 4 stars). 2 submissions from 2 submitters: Uncertain significance (1); Likely benign (1). Last evaluated 2025-08-13.

Conditions:
Joubert syndrome. Also called: CEREBELLOPARENCHYMAL DISORDER IV; JOUBERT-BOLTSHAUSER SYNDROME; Familial aplasia of the vermis. Identifiers: Orphanet 475, MedGen C5979921, MONDO:0018772.
Meckel-Gruber syndrome. Also called: DYSENCEPHALIA SPLANCHNOCYSTICA; GRUBER SYNDROME; Dysencephalia splachnocystica. Identifiers: Orphanet 564, MedGen C0265215, MONDO:0018921.

Allele frequency attached by ClinVar (database versions not stated): TOPMed 0.00001; gnomAD 0.00002.
gnomAD v4.1: 3 of 1,608,684 alleles (0.00019%); highest among the groups gnomAD compares: Admixed American, 0.005%; no homozygotes.

Submissions (2):

Mayo Clinic Laboratories, Mayo Clinic
Classification: Likely benign. Last evaluated: 2025-08-13. Review status: criteria provided, single submitter. Criteria: ACMG Guidelines, 2015. Collection method: clinical testing. Allele origin: germline. Observed: 1 variant allele.
Comment: BP4, BP7

Labcorp Genetics (formerly Invitae), Labcorp
Classification: Uncertain significance for Joubert syndrome; Meckel-Gruber syndrome. Last evaluated: 2022-07-03. Review status: criteria provided, single submitter. Criteria: Invitae Variant Classification Sherloc (09022015). Collection method: clinical testing. Allele origin: germline.
Comment: This sequence change falls in intron 7 of the TMEM67 gene. It does not directly change the encoded amino acid sequence of the TMEM67 protein. It affects a nucleotide within the consensus splice site. This variant is not present in population databases (gnomAD no frequency). This variant has not been reported in the literature in individuals affected with TMEM67-related conditions. Variants that disrupt the consensus splice site are a relatively common cause of aberrant splicing (PMID: 17576681, 9536098). Algorithms developed to predict the effect of sequence changes on RNA splicing suggest that this variant is not likely to affect RNA splicing. In summary, the available evidence is currently insufficient to determine the role of this variant in disease. Therefore, it has been classified as a Variant of Uncertain Significance.

Literature cited by the submitters: PubMed 17576681 (cited by Labcorp Genetics (formerly Invitae), Labcorp); PubMed 9536098 (cited by Labcorp Genetics (formerly Invitae), Labcorp).